The following is an entry in ClinVar:

ClinVar aggregate classification (germline): Likely benign (1 of 4 stars; one submission).

Allele frequency attached by ClinVar (database versions not stated): gnomAD exomes 0.00063 and 0.00171; ExAC 0.00216; gnomAD 0.00670 and 0.00722; TOPMed 0.00751; ESP Exome Variant Server 0.00792; 1000 Genomes Project 0.00799; 1000 Genomes Project 30x 0.00890.
gnomAD v4.1: 2,000 of 1,613,074 alleles (0.12%); highest among the groups gnomAD compares: African/African-American, 2.3%; 18 homozygotes.

Submission:

GeneDx
Classification: Likely benign. Last evaluated: 2018-06-19. Review status: criteria provided, single submitter. Criteria: GeneDx Variant Classification (06012015). Collection method: clinical testing. Allele origin: germline. Affected: yes.
Comment: This variant is considered likely benign or benign based on one or more of the following criteria: it is a conservative change, it occurs at a poorly conserved position in the protein, it is predicted to be benign by multiple in silico algorithms, and/or has population frequency not consistent with disease.

NM_032578.4(MYPN):c.1601-50A>G

Gene: MYPN (myopalladin; plus strand). Cytogenetic location: 10q21.3.
Variant type: single nucleotide variant.
Coding change: c.1601-50A>G on transcript NM_032578.4 (MANE Select); 50 bases into the intron before coding-DNA position 1601, A replaced by G.
Molecular consequence: intron variant.
Genome position (GRCh38, 1-based): chr10:68,166,244, A>G. VCF-style: chr10-68166244-A-G. GRCh37 (hg19) VCF-style: chr10-69926001-A-G.
Other names: c.1601-50A>G (NM_001256267.2); c.719-50A>G (NM_001256268.2).
Identifiers: ClinVar variation 674106 (VCV000674106.1), dbSNP rs116261214, ClinGen allele CA5522622.